The following is an entry in ClinVar:

ClinVar aggregate classification (germline): Likely pathogenic (1 of 4 stars; one submission).

Conditions:
Hereditary cancer-predisposing syndrome. Also called: Hereditary Cancer Syndrome; Tumor predisposition; Hereditary neoplastic syndrome; Neoplastic Syndromes, Hereditary. Identifiers: Orphanet 140162, MedGen C0027672, MeSH D009386, MONDO:0015356.

Submission:

Ambry Genetics
Classification: Likely pathogenic for Hereditary cancer-predisposing syndrome. Last evaluated: 2024-10-30. Review status: criteria provided, single submitter. Criteria: Ambry Variant Classification Scheme 2023. Collection method: clinical testing. Allele origin: germline.
Comment: The c.1474-1G>A intronic variant results from a G to A substitution one nucleotide upstream from coding exon 11 of the BMPR1A gene. Alterations that disrupt the canonical splice site are expected to cause aberrant splicing. This variant has been observed in at least one individual with a personal and/or family history that is consistent with juvenile polyposis syndrome (JPS). In addition, this variant segregated with disease in at least one family with features consistent with JPS (Ambry internal data). In silico splice site analysis predicts that this alteration will weaken the native splice acceptor site. RNA studies have demonstrated that this alteration results in abnormal splicing in the set of samples tested (Ambry internal data). The resulting transcript is predicted to be in-frame and is not expected to trigger nonsense-mediated mRNA decay; however, direct evidence is unavailable. The exact functional effect of the altered amino acid sequence is unknown; however, the impacted region is critical for protein function (Ambry internal data). This variant is considered to be rare based on population cohorts in the Genome Aggregation Database (gnomAD). This nucleotide position is highly conserved in available vertebrate species. Based on the majority of available evidence to date, this variant is likely to be pathogenic.

NM_004329.3(BMPR1A):c.1474-1G>A

Gene: BMPR1A (bone morphogenetic protein receptor type 1A; plus strand). Cytogenetic location: 10q23.2.
Variant type: single nucleotide variant.
Coding change: c.1474-1G>A on transcript NM_004329.3 (MANE Select); the canonical splice acceptor site of the intron before coding-DNA position 1474, G replaced by A.
Molecular consequence: splice acceptor variant.
Genome position (GRCh38, 1-based): chr10:86,923,593, G>A. VCF-style: chr10-86923593-G-A. GRCh37 (hg19) VCF-style: chr10-88683350-G-A.
Other names: c.1474-1G>A (NM_001406562.1, NM_001406568.1, NM_001406567.1 and 19 more transcripts); c.1390-1G>A (NM_001406584.1, NM_001406588.1, NM_001406587.1 and 2 more transcripts); c.1522-1G>A (NM_001406560.1); c.1549-1G>A (NM_001406559.1); c.1468-1G>A (NM_001406583.1); c.1132-1G>A (NM_001406589.1).
Identifiers: ClinVar variation 3261212 (VCV003261212.2).